The following is an entry in ClinVar:

NM_000152.5(GAA):c.322T>A (p.Cys108Ser)

Gene: GAA (alpha glucosidase; plus strand). Cytogenetic location: 17q25.3.
Variant type: single nucleotide variant.
Coding change: c.322T>A on transcript NM_000152.5 (MANE Select); coding-DNA position 322, T replaced by A.
Protein change: p.Cys108Ser; replaces cysteine 108 with serine.
Molecular consequence: missense variant.
Genome position (GRCh38, 1-based): chr17:80,104,908, T>A. VCF-style: chr17-80104908-T-A. GRCh37 (hg19) VCF-style: chr17-78078707-T-A.
Other names: c.322T>A, p.Cys108Ser (NM_001079803.3, NM_001079804.3); short protein forms C108S.
Identifiers: ClinVar variation 847865 (VCV000847865.10), dbSNP rs2039038743, ClinGen allele CA401360738.

ClinVar aggregate classification (germline): Pathogenic (1 of 4 stars; one submission).

Conditions:
Glycogen storage disease, type II (IOPD). Also called: Glucosidase acid-1,4-alpha deficiency; POMPE DISEASE, INFANTILE-ONSET; GLYCOGEN STORAGE DISEASE II, INFANTILE-ONSET; ACID ALPHA-GLUCOSIDASE DEFICIENCY, INFANTILE-ONSET; GAA DEFICIENCY, INFANTILE-ONSET; ACID MALTASE DEFICIENCY, INFANTILE-ONSET. Identifiers: Orphanet 365, MedGen C0017921, MONDO:0009290, OMIM 232300.

Submission:

Labcorp Genetics (formerly Invitae), Labcorp
Classification: Pathogenic for Glycogen storage disease, type II. Last evaluated: 2020-01-04. Review status: criteria provided, single submitter. Criteria: Invitae Variant Classification Sherloc (09022015). Collection method: clinical testing. Allele origin: germline.
Comment: This sequence change replaces cysteine with serine at codon 108 of the GAA protein (p.Cys108Ser). The cysteine residue is highly conserved and there is a moderate physicochemical difference between cysteine and serine. This variant has been observed in an individual affected with Pompe disease (PMID: 29181627). In at least one individual the data is consistent with the variant being in trans (on the opposite chromosome) from a pathogenic variant. This variant is not present in population databases (ExAC no frequency). This variant disrupts the p.Cys108 amino acid residue in GAA. Other variant(s) that disrupt this residue have been observed in individuals with GAA-related conditions (PMID: 25526786), which suggests that this may be a clinically significant amino acid residue. For these reasons, this variant has been classified as Pathogenic. Advanced modeling of protein sequence and biophysical properties (such as structural, functional, and spatial information, amino acid conservation, physicochemical variation, residue mobility, and thermodynamic stability) performed at Invitae indicates that this missense variant is expected to disrupt GAA protein function.

Literature cited by the submitters: PubMed 29181627; PubMed 25526786.